The following is an entry in ClinVar:

ClinVar aggregate classification (germline): Uncertain significance (1 of 4 stars; one submission).

Conditions:
Dilated cardiomyopathy 2B. Identifiers: Orphanet 154, MedGen C3553409, MONDO:0013848, OMIM 614672.

Allele frequency attached by ClinVar (database versions not stated): gnomAD exomes 0.00001.
gnomAD v4.1: 16 of 1,287,476 alleles (0.0012%); highest among the groups gnomAD compares: Non-Finnish European, 0.0016%; no homozygotes.

Submission:

Labcorp Genetics (formerly Invitae), Labcorp
Classification: Uncertain significance for Dilated cardiomyopathy 2B. Last evaluated: 2022-07-05. Review status: criteria provided, single submitter. Criteria: Invitae Variant Classification Sherloc (09022015). Collection method: clinical testing. Allele origin: germline.
Comment: In summary, the available evidence is currently insufficient to determine the role of this variant in disease. Therefore, it has been classified as a Variant of Uncertain Significance. Algorithms developed to predict the effect of missense changes on protein structure and function (SIFT, PolyPhen-2, Align-GVGD) all suggest that this variant is likely to be tolerated. ClinVar contains an entry for this variant (Variation ID: 1442509). This variant has not been reported in the literature in individuals affected with GATAD1-related conditions. This variant is not present in population databases (gnomAD no frequency). This sequence change replaces threonine, which is neutral and polar, with serine, which is neutral and polar, at codon 52 of the GATAD1 protein (p.Thr52Ser).

NM_021167.5(GATAD1):c.155C>G (p.Thr52Ser)

Genes: GATAD1 (GATA zinc finger domain containing 1; plus strand), LOC129998793 (ATAC-STARR-seq lymphoblastoid silent region 18371; plus strand). Cytogenetic location: 7q21.2.
Variant type: single nucleotide variant.
Coding change: c.155C>G on transcript NM_021167.5 (MANE Select); coding-DNA position 155, C replaced by G.
Protein change: p.Thr52Ser; replaces threonine 52 with serine.
Molecular consequence: missense variant. On other transcripts: non-coding transcript variant (1).
Genome position (GRCh38, 1-based): chr7:92,447,884, C>G. VCF-style: chr7-92447884-C-G. GRCh37 (hg19) VCF-style: chr7-92077198-C-G.
Other names: short protein forms T52S.
Identifiers: ClinVar variation 1442509 (VCV001442509.8), dbSNP rs2115836944, ClinGen allele CA368155337.